The following is an entry in ClinVar:

NM_006206.6(PDGFRA):c.717C>G (p.Asn239Lys)

Gene: PDGFRA (platelet derived growth factor receptor alpha; plus strand). Cytogenetic location: 4q12.
Variant type: single nucleotide variant.
Coding change: c.717C>G on transcript NM_006206.6 (MANE Select); coding-DNA position 717, C replaced by G.
Protein change: p.Asn239Lys; replaces asparagine 239 with lysine.
Molecular consequence: missense variant.
Genome position (GRCh38, 1-based): chr4:54,265,007, C>G. VCF-style: chr4-54265007-C-G. GRCh37 (hg19) VCF-style: chr4-55131174-C-G.
Other names: c.717C>G, p.Asn239Lys (NM_001347829.2, NM_001347827.2); c.756C>G, p.Asn252Lys (NM_001347830.2); c.792C>G, p.Asn264Lys (NM_001347828.2); short protein forms N252K, N264K, N239K.
Identifiers: ClinVar variation 644650 (VCV000644650.8), dbSNP rs769686275, ClinGen allele CA2922358.

ClinVar aggregate classification (germline): Uncertain significance. Review status: criteria provided, multiple submitters, no conflicts (2 of 4 stars). 2 submissions from 2 submitters: Uncertain significance (2). Last evaluated 2026-07-07.

Conditions:
Gastrointestinal stromal tumor. Also called: Gastrointestinal stromal tumor, somatic; Gastrointestinal stroma tumor. Identifiers: Orphanet 44890, MedGen C0238198, MeSH D046152, MONDO:0011719, OMIM 606764, HP:0100723.
Hereditary cancer-predisposing syndrome. Also called: Neoplastic Syndromes, Hereditary; Hereditary Cancer Syndrome; Hereditary neoplastic syndrome; Tumor predisposition. Identifiers: Orphanet 140162, MedGen C0027672, MeSH D009386, MONDO:0015356.

gnomAD v4.1: 1 of 1,613,630 alleles (0.000062%); no homozygotes.

Submissions (2):

Ambry Genetics
Classification: Uncertain significance for Hereditary cancer-predisposing syndrome. Last evaluated: 2026-07-07. Review status: criteria provided, single submitter. Criteria: Ambry Variant Classification Scheme 2023. Collection method: clinical testing. Allele origin: germline.
Comment: The p.N239K variant (also known as c.717C>G), located in coding exon 4 of the PDGFRA gene, results from a C to G substitution at nucleotide position 717. The asparagine at codon 239 is replaced by lysine, an amino acid with similar properties. This amino acid position is conserved. In addition, this alteration is predicted to be tolerated by in silico analysis. Based on the available evidence, the clinical significance of this variant remains unclear.

Labcorp Genetics (formerly Invitae), Labcorp
Classification: Uncertain significance for Gastrointestinal stromal tumor. Last evaluated: 2021-10-12. Review status: criteria provided, single submitter. Criteria: Invitae Variant Classification Sherloc (09022015). Collection method: clinical testing. Allele origin: germline.
Comment: Algorithms developed to predict the effect of missense changes on protein structure and function (SIFT, PolyPhen-2, Align-GVGD) all suggest that this variant is likely to be tolerated. This variant has not been reported in the literature in individuals affected with PDGFRA-related conditions. This variant is present in population databases (rs769686275, ExAC 0.006%). This sequence change replaces asparagine with lysine at codon 239 of the PDGFRA protein (p.Asn239Lys). The asparagine residue is weakly conserved and there is a moderate physicochemical difference between asparagine and lysine. In summary, the available evidence is currently insufficient to determine the role of this variant in disease. Therefore, it has been classified as a Variant of Uncertain Significance. Algorithms developed to predict the effect of sequence changes on RNA splicing suggest that this variant may create or strengthen a splice site.